The following is an entry in ClinVar:

NM_001376.5(DYNC1H1):c.13373-1G>A

Gene: DYNC1H1 (dynein cytoplasmic 1 heavy chain 1; plus strand). Cytogenetic location: 14q32.31.
Variant type: single nucleotide variant.
Coding change: c.13373-1G>A on transcript NM_001376.5 (MANE Select); the canonical splice acceptor site of the intron before coding-DNA position 13373, G replaced by A.
Molecular consequence: splice acceptor variant.
Genome position (GRCh38, 1-based): chr14:102,049,439, G>A. VCF-style: chr14-102049439-G-A. GRCh37 (hg19) VCF-style: chr14-102515776-G-A.
Identifiers: ClinVar variation 3659079 (VCV003659079.2).

ClinVar aggregate classification (germline): Uncertain significance (1 of 4 stars; one submission).

Conditions:
Charcot-Marie-Tooth disease axonal type 2O. Also called: CHARCOT-MARIE-TOOTH NEUROPATHY, AXONAL, TYPE 2O; CHARCOT-MARIE-TOOTH DISEASE, AXONAL, AUTOSOMAL DOMINANT, TYPE 2O; Charcot-Marie-Tooth Neuropathy Type 2O; Charcot-Marie-Tooth disease, axonal, type 20. Identifiers: Orphanet 284232, MedGen C3280220, MONDO:0013644, OMIM 614228.

Submission:

Labcorp Genetics (formerly Invitae), Labcorp
Classification: Uncertain significance for Charcot-Marie-Tooth disease axonal type 2O. Last evaluated: 2024-07-09. Review status: criteria provided, single submitter. Criteria: Invitae Variant Classification Sherloc (09022015). Collection method: clinical testing. Allele origin: germline.
Comment: This sequence change affects an acceptor splice site in intron 74 of the DYNC1H1 gene. It is expected to disrupt RNA splicing. Variants that disrupt the donor or acceptor splice site typically lead to a loss of protein function (PMID: 16199547), however the current clinical and genetic evidence is not sufficient to establish whether loss-of-function variants in DYNC1H1 cause disease. This variant is not present in population databases (gnomAD no frequency). This variant has not been reported in the literature in individuals affected with DYNC1H1-related conditions. Algorithms developed to predict the effect of sequence changes on RNA splicing suggest that this variant may disrupt the consensus splice site. In summary, the available evidence is currently insufficient to determine the role of this variant in disease. Therefore, it has been classified as a Variant of Uncertain Significance.

Literature cited by the submitters: PubMed 16199547.